The following is an entry in ClinVar:

NM_206926.2(SELENON):c.171G>A (p.Ala57=)

Gene: SELENON (selenoprotein N; plus strand). Cytogenetic location: 1p36.11.
Variant type: single nucleotide variant.
Coding change: c.171G>A on transcript NM_206926.2 (MANE Select); coding-DNA position 171, G replaced by A.
Protein change: p.Ala57=; no amino-acid change (alanine 57 retained).
Molecular consequence: synonymous variant.
Genome position (GRCh38, 1-based): chr1:25,800,401, G>A. VCF-style: chr1-25800401-G-A. GRCh37 (hg19) VCF-style: chr1-26126892-G-A.
Other names: c.171G>A, p.Ala57= (NM_020451.3).
Identifiers: ClinVar variation 388454 (VCV000388454.3), dbSNP rs1057523110, ClinGen allele CA16603639.
Genomic context (GRCh38, chr1:25,800,401, plus strand): 5'-GCTGGCCGCCGCCGCTGCCGCCGCCGTCCGGGTCTGCGCCCGCCACGCCGAGGCCCAGGC[G>A]GCCGCGCGGCAGGTCCGGGCCCGAGCTGGCTGGGGCGGGAGCGCGGGAGCGGGGACTGAA-3'
Protein context (NP_996809.1, residues 47-67): RVCARHAEAQ[Ala57=]AARQELALKT

ClinVar aggregate classification (germline): Likely benign. Review status: criteria provided, multiple submitters, no conflicts (2 of 4 stars). 2 submissions from 2 submitters: Likely benign (2). Last evaluated 2024-10-30.

Conditions:
Eichsfeld type congenital muscular dystrophy (CMYO3). Also called: Rigid spine muscular dystrophy 1; MYOPATHY, SEPN1-RELATED; SELENON-related myopathy; Congenital myopathy 3 with rigid spine. Identifiers: MedGen C0410180, MONDO:0100100, OMIM 602771.

Allele frequency attached by ClinVar (database versions not stated): gnomAD exomes below 0.00001; gnomAD 0.00001.
gnomAD v4.1: 5 of 1,094,234 alleles (0.00046%); highest among the groups gnomAD compares: South Asian, 0.022%; no homozygotes.

Submissions (2):

Labcorp Genetics (formerly Invitae), Labcorp
Classification: Likely benign for Eichsfeld type congenital muscular dystrophy. Last evaluated: 2024-10-30. Review status: criteria provided, single submitter. Criteria: Invitae Variant Classification Sherloc (09022015). Collection method: clinical testing. Allele origin: germline.

GeneDx
Classification: Likely benign. Last evaluated: 2016-08-31. Review status: criteria provided, single submitter. Criteria: GeneDx Variant Classification (06012015). Collection method: clinical testing. Allele origin: germline. Affected: yes.
Comment: This variant is considered likely benign or benign based on one or more of the following criteria: it is a conservative change, it occurs at a poorly conserved position in the protein, it is predicted to be benign by multiple in silico algorithms, and/or has population frequency not consistent with disease.